The following is an entry in ClinVar:

ClinVar aggregate classification (germline): Pathogenic. Review status: reviewed by expert panel (3 of 4 stars). 5 submissions from 5 submitters: Pathogenic (1). 4 of the submissions do not count toward it. Last evaluated 2017-12-15.

Conditions:
Breast-ovarian cancer, familial, susceptibility to, 2 (BROVCA2). Also called: BRCA2 Hereditary Breast and Ovarian Cancer. Identifiers: Orphanet 145, MedGen C2675520, MONDO:0012933, OMIM 612555. Disease mechanism: loss of function.
Hereditary cancer-predisposing syndrome. Also called: Hereditary neoplastic syndrome; Tumor predisposition; Neoplastic Syndromes, Hereditary; Hereditary Cancer Syndrome. Identifiers: Orphanet 140162, MedGen C0027672, MeSH D009386, MONDO:0015356.
Hereditary breast ovarian cancer syndrome. Also called: BRCA1- and BRCA2-Associated Hereditary Breast and Ovarian Cancer; Hereditary breast and/or ovarian cancer syndrome; Hereditary breast and ovarian cancer; Hereditary breast and ovarian cancer syndrome; Hereditary breast and ovarian cancer syndrome (HBOC); Breast and ovarian cancer. Identifiers: Orphanet 145, MedGen C0677776, MeSH D061325, MONDO:0003582. Disease mechanism: loss of function.

Submissions (5):

Evidence-based Network for the Interpretation of Germline Mutant Alleles (ENIGMA)
Classification: Pathogenic for Breast-ovarian cancer, familial, susceptibility to, 2. Last evaluated: 2017-12-15. Review status: reviewed by expert panel. Criteria: ENIGMA BRCA1/2 Classification Criteria (2017-06-29). Collection method: curation. Allele origin: germline. Study: ENIGMA.
Comment: Variant allele predicted to encode a truncated non-functional protein.

GeneDx
Classification: Pathogenic. Last evaluated: 2019-04-10. Review status: criteria provided, single submitter. Criteria: GeneDx Variant Classification Process June 2021. Collection method: clinical testing. Allele origin: germline. Affected: yes. Not counted in ClinVar's aggregate classification.
Comment: Nonsense variant predicted to result in protein truncation [or nonsense mediated decay] in a gene for which loss-of-function is a known mechanism of disease; Not observed in large population cohorts (Lek et al., 2016); This variant is associated with the following publications: (PMID: 29339979)

Ambry Genetics
Classification: Pathogenic for Hereditary cancer-predisposing syndrome. Last evaluated: 2019-01-16. Review status: criteria provided, single submitter. Criteria: Ambry Variant Classification Scheme 2023. Collection method: clinical testing. Allele origin: germline. Not counted in ClinVar's aggregate classification.
Comment: The p.L553* pathogenic mutation (also known as c.1658T>G), located in coding exon 9 of the BRCA2 gene, results from a T to G substitution at nucleotide position 1658. This changes the amino acid from a leucine to a stop codon within coding exon 9. This alteration is expected to result in loss of function by premature protein truncation or nonsense-mediated mRNA decay. As such, this alteration is interpreted as a disease-causing mutation.

Department of Medical Genetics, Oslo University Hospital
Classification: Pathogenic for Breast-ovarian cancer, familial, susceptibility to, 2. Last evaluated: 2015-07-01. Review status: criteria provided, single submitter. Criteria: ACMG Guidelines, 2015. Collection method: clinical testing. Allele origin: germline. Affected: yes. Observed: 4 variant alleles. Not counted in ClinVar's aggregate classification.

Research Molecular Genetics Laboratory, Women's College Hospital, University of Toronto
Classification: Pathogenic for Hereditary breast ovarian cancer syndrome. Last evaluated: 2014-01-31. Review status: no assertion criteria provided. Collection method: research. Allele origin: germline. Affected: yes. Study: The Canadian Open Genetics Repository (COGR). Not counted in ClinVar's aggregate classification.

NM_000059.4(BRCA2):c.1658T>G (p.Leu553Ter)

Gene: BRCA2 (BRCA2 DNA repair associated; plus strand). Cytogenetic location: 13q13.1.
Variant type: single nucleotide variant.
Coding change: c.1658T>G on transcript NM_000059.4 (MANE Select); coding-DNA position 1658, T replaced by G.
Protein change: p.Leu553Ter; replaces leucine 553 with a stop codon.
Molecular consequence: nonsense.
Genome position (GRCh38, 1-based): chr13:32,333,136, T>G. VCF-style: chr13-32333136-T-G. GRCh37 (hg19) VCF-style: chr13-32907273-T-G.
Other names: short protein forms L553*.
Identifiers: ClinVar variation 431293 (VCV000431293.8), dbSNP rs876659627, ClinGen allele CA387765024.
Genomic context (GRCh38, chr13:32,333,136, plus strand): 5'-CTGAAGCCTCTGAAAGTGGACTGGAAATACATACTGTTTGCTCACAGAAGGAGGACTCCT[T>G]ATGTCCAAATTTAATTGATAATGGAAGCTGGCCAGCCACCACCACACAGAATTCTGTAGC-3'